The following is an entry in ClinVar:

NM_001130987.2(DYSF):c.1261G>T (p.Glu421Ter)

Gene: DYSF (dysferlin; plus strand). Cytogenetic location: 2p13.2.
Variant type: single nucleotide variant.
Coding change: c.1261G>T on transcript NM_001130987.2 (MANE Select); coding-DNA position 1261, G replaced by T.
Protein change: p.Glu421Ter; replaces glutamic acid 421 with a stop codon.
Molecular consequence: nonsense.
Genome position (GRCh38, 1-based): chr2:71,526,331, G>T. VCF-style: chr2-71526331-G-T. GRCh37 (hg19) VCF-style: chr2-71753461-G-T.
Other names: c.1165G>T, p.Glu389Ter (NM_001130977.2, NM_001130978.2, NM_001130976.2 and 1 more transcripts); c.1258G>T, p.Glu420Ter (NM_001130979.2, NM_001130980.2, NM_001130981.2); c.1261G>T, p.Glu421Ter (NM_001130982.2, NM_001130985.2); c.1168G>T, p.Glu390Ter (NM_001130983.2, NM_001130984.2, NM_001130986.2 and 1 more transcripts); short protein forms E390*, E420*, E389*, E421*.
Identifiers: ClinVar variation 2203087 (VCV002203087.4), dbSNP rs778673716, ClinGen allele CA347213583.

ClinVar aggregate classification (germline): Pathogenic (1 of 4 stars; one submission).

Conditions:
Neuromuscular disease caused by qualitative or quantitative defects of dysferlin. Also called: Dysferlinopathy; Qualitative or quantitative defects of dysferlin. Identifiers: Orphanet 207073, MedGen C2931687, MONDO:0016145.

Submission:

Labcorp Genetics (formerly Invitae), Labcorp
Classification: Pathogenic for Neuromuscular disease caused by qualitative or quantitative defects of dysferlin. Last evaluated: 2022-06-11. Review status: criteria provided, single submitter. Criteria: Invitae Variant Classification Sherloc (09022015). Collection method: clinical testing. Allele origin: germline.
Comment: For these reasons, this variant has been classified as Pathogenic. Algorithms developed to predict the effect of sequence changes on RNA splicing suggest that this variant may create or strengthen a splice site. This premature translational stop signal has been observed in individual(s) with autosomal recessive limb-girdle muscular dystrophy (PMID: 31268554). This variant is not present in population databases (gnomAD no frequency). This sequence change creates a premature translational stop signal (p.Glu389*) in the DYSF gene. It is expected to result in an absent or disrupted protein product. Loss-of-function variants in DYSF are known to be pathogenic (PMID: 17698709, 20301480).

Literature cited by the submitters: PubMed 31268554; PubMed 17698709; PubMed 20301480.